The following is an entry in ClinVar:

ClinVar aggregate classification (germline): Likely benign (0 of 4 stars; one submission).

Conditions:
CXCR1-related disorder. Also called: CXCR1-related condition.

Allele frequency attached by ClinVar (database versions not stated): gnomAD exomes 0.00001; ExAC 0.00002; gnomAD 0.00005; TOPMed 0.00011; ESP Exome Variant Server 0.00015.
gnomAD v4.1: 19 of 1,614,120 alleles (0.0012%); highest among the groups gnomAD compares: African/African-American, 0.016%; no homozygotes.

Submission:

PreventionGenetics, part of Exact Sciences
Classification: Likely benign for CXCR1-related condition. Last evaluated: 2019-07-31. Review status: no assertion criteria provided. Collection method: clinical testing. Allele origin: germline.
Comment: This variant is classified as likely benign based on ACMG/AMP sequence variant interpretation guidelines (Richards et al. 2015 PMID: 25741868, with internal and published modifications).

NM_000634.3(CXCR1):c.462G>A (p.Lys154=)

Gene: CXCR1 (C-X-C motif chemokine receptor 1; minus strand). Cytogenetic location: 2q35.
Variant type: single nucleotide variant.
Coding change: c.462G>A on transcript NM_000634.3 (MANE Select); coding-DNA position 462, G replaced by A.
Protein change: p.Lys154=; no amino-acid change (lysine 154 retained).
Molecular consequence: synonymous variant.
Genome position (GRCh38, 1-based): chr2:218,164,750, C>T on the plus strand (G>A on the coding strand, the complement: CXCR1 is on the minus strand). VCF-style: chr2-218164750-C-T. GRCh37 (hg19) VCF-style: chr2-219029473-C-T.
Identifiers: ClinVar variation 3034852 (VCV003034852.2), dbSNP rs376194466, ClinGen allele CA2102016.